The following is an entry in ClinVar:

NM_007194.4(CHEK2):c.793-19_793-18del

Gene: CHEK2 (checkpoint kinase 2; minus strand). Cytogenetic location: 22q12.1.
Variant type: Deletion.
Coding change: c.793-19_793-18del on transcript NM_007194.4 (MANE Select); 19 bases into the intron before coding-DNA position 793 through 18 bases into the intron before coding-DNA position 793, 2 bases deleted (GT; older notation c.793-19_793-18delGT).
Molecular consequence: intron variant.
Genome position (GRCh38, 1-based): chr22:28,710,077-28,710,078, AC deleted on the plus strand (GT on the coding strand, the reverse complement: CHEK2 is on the minus strand); deleting any 2 consecutive bases within chr22:28,710,077-28,710,079 gives the same sequence; the c. name uses the placement nearest the transcript's 3' end. VCF-style (leftmost placement, unchanged base first): chr22-28710076-AAC-A. GRCh37 (hg19) VCF-style: chr22-29106064-AAC-A.
Other names: c.130-19_130-18del (NM_001437942.1, NM_001257387.3); c.592-19_592-18del (NM_001349956.3); c.793-19_793-18del (NM_145862.3); c.886-19_886-18del (NM_001438295.1, NM_001438293.1); c.922-19_922-18del (NM_001438294.1, NM_001005735.3).
Identifiers: ClinVar variation 3773100 (VCV003773100.1).

ClinVar aggregate classification (germline): Likely benign (1 of 4 stars; one submission).

Conditions:
Familial cancer of breast. Also called: Hereditary breast cancer; BREAST CANCER, FAMILIAL; hereditary breast carcinoma. Identifiers: Orphanet 227535, MedGen C0346153, MONDO:0016419, OMIM 114480. Disease mechanism: loss of function.

Submission:

Myriad Genetics, Inc.
Classification: Likely benign for Familial cancer of breast. Last evaluated: 2024-10-03. Review status: criteria provided, single submitter. Criteria: Myriad Autosomal Dominant, Autosomal Recessive and X-Linked Classification Criteria (2023). Collection method: clinical testing. Allele origin: unknown.
Comment: This variant is considered likely benign. This variant is intronic and is not expected to impact mRNA splicing.